The following is an entry in ClinVar:

NM_000051.4(ATM):c.392C>T (p.Ser131Leu)

Gene: ATM (ATM serine/threonine kinase; plus strand). Cytogenetic location: 11q22.3.
Variant type: single nucleotide variant.
Coding change: c.392C>T on transcript NM_000051.4 (MANE Select); coding-DNA position 392, C replaced by T.
Protein change: p.Ser131Leu; replaces serine 131 with leucine.
Molecular consequence: missense variant.
Genome position (GRCh38, 1-based): chr11:108,235,730, C>T. VCF-style: chr11-108235730-C-T. GRCh37 (hg19) VCF-style: chr11-108106457-C-T.
Other names: c.392C>T, p.Ser131Leu (NM_001351834.2); short protein forms S131L.
Identifiers: ClinVar variation 1736257 (VCV001736257.5), dbSNP rs1363726955, ClinGen allele CA382524903.

ClinVar aggregate classification (germline): Uncertain significance. Review status: criteria provided, multiple submitters, no conflicts (2 of 4 stars). 2 submissions from 2 submitters: Uncertain significance (2). Last evaluated 2023-12-24.

Conditions:
Hereditary cancer-predisposing syndrome. Also called: Neoplastic Syndromes, Hereditary; Tumor predisposition; Hereditary Cancer Syndrome; Hereditary neoplastic syndrome. Identifiers: Orphanet 140162, MedGen C0027672, MeSH D009386, MONDO:0015356.
Ataxia-telangiectasia syndrome (AT). Also called: LOUIS-BAR SYNDROME; Cerebello-oculocutaneous telangiectasia; Immunodeficiency with ataxia telangiectasia; Ataxia-telangiectasia, complementation group D; AT, COMPLEMENTATION GROUP C; ATAXIA-TELANGIECTASIA, COMPLEMENTATION GROUP A. Identifiers: Orphanet 100, MedGen C0004135, MONDO:0008840, OMIM 208900.

Submissions (2):

Labcorp Genetics (formerly Invitae), Labcorp
Classification: Uncertain significance for Ataxia-telangiectasia syndrome. Last evaluated: 2023-12-24. Review status: criteria provided, single submitter. Criteria: Invitae Variant Classification Sherloc (09022015). Collection method: clinical testing. Allele origin: germline.
Comment: This sequence change replaces serine, which is neutral and polar, with leucine, which is neutral and non-polar, at codon 131 of the ATM protein (p.Ser131Leu). This variant is not present in population databases (gnomAD no frequency). This variant has not been reported in the literature in individuals affected with ATM-related conditions. ClinVar contains an entry for this variant (Variation ID: 1736257). An algorithm developed to predict the effect of missense changes on protein structure and function (PolyPhen-2) suggests that this variant is likely to be disruptive. In summary, the available evidence is currently insufficient to determine the role of this variant in disease. Therefore, it has been classified as a Variant of Uncertain Significance.

Ambry Genetics
Classification: Uncertain significance for Hereditary cancer-predisposing syndrome. Last evaluated: 2022-07-27. Review status: criteria provided, single submitter. Criteria: Ambry Variant Classification Scheme 2023. Collection method: clinical testing. Allele origin: germline.
Comment: The p.S131L variant (also known as c.392C>T), located in coding exon 4 of the ATM gene, results from a C to T substitution at nucleotide position 392. The serine at codon 131 is replaced by leucine, an amino acid with dissimilar properties. This amino acid position is not well conserved in available vertebrate species. In addition, this alteration is predicted to be tolerated by in silico analysis. Since supporting evidence is limited at this time, the clinical significance of this alteration remains unclear.